The following is an entry in ClinVar:

NM_001267550.2(TTN):c.19229del (p.Gly6410fs)

Gene: TTN (titin; minus strand). Cytogenetic location: 2q31.2.
Variant type: Deletion.
Coding change: c.19229del on transcript NM_001267550.2 (MANE Select); coding-DNA position 19229, one base deleted (G; older notation c.19229delG).
Protein change: p.Gly6410fs; shifts the reading frame from glycine 6410.
Molecular consequence: frameshift variant. On other transcripts: intron variant (3).
Genome position (GRCh38, 1-based): chr2:178,728,697, C deleted on the plus strand (G on the coding strand, the reverse complement: TTN is on the minus strand); the first of 2 consecutive C bases (chr2:178,728,697-178,728,698); deleting either gives the same sequence. VCF-style (leftmost placement, unchanged base first): chr2-178728696-TC-T. GRCh37 (hg19) VCF-style: chr2-179593423-TC-T.
Other names: c.18278del, p.Gly6093fs (NM_001256850.1); c.15497del, p.Gly5166fs (NM_133378.4); c.13282+9385del (NM_003319.4); c.13858+9385del (NM_133437.4); c.13657+9385del (NM_133432.3); short protein forms G6410fs, G5166fs, G6093fs.
Identifiers: ClinVar variation 1046826 (VCV001046826.9), dbSNP rs2079812566, ClinGen allele CA1310596586.
Genomic context (GRCh38, chr2:178,728,696, plus strand): 5'-GTATCTACTGGGAACTATTTGTTTCCCGTCTTTAAGCCATTTCACTTTGAGTTCTGGTGT[TC>T]CAGCCACAACACATTCCAAGGTCATGGGATCTTTCTCCGTAACATCAACTGATTTAGCTT-3'

ClinVar aggregate classification (germline): Likely pathogenic (1 of 4 stars; one submission).

Conditions:
Dilated cardiomyopathy 1G (CMD1G). Identifiers: Orphanet 154, MedGen C1858763, MONDO:0011400, OMIM 604145.
Autosomal recessive limb-girdle muscular dystrophy type 2J (LGMDR10). Also called: Limb-girdle muscular dystrophy, type 2J; MUSCULAR DYSTROPHY, LIMB-GIRDLE, AUTOSOMAL RECESSIVE 10. Identifiers: Orphanet 140922, MedGen C1837342, MONDO:0012127, OMIM 608807.

Submission:

Labcorp Genetics (formerly Invitae), Labcorp
Classification: Likely pathogenic for Dilated cardiomyopathy 1G; Autosomal recessive limb-girdle muscular dystrophy type 2J. Last evaluated: 2024-10-18. Review status: criteria provided, single submitter. Criteria: Invitae Variant Classification Sherloc (09022015). Collection method: clinical testing. Allele origin: germline.
Comment: This sequence change creates a premature translational stop signal (p.Gly6410Glufs*7) in the TTN gene. While this is not anticipated to result in nonsense mediated decay, it is expected to create a truncated TTN protein. This variant is not present in population databases (gnomAD no frequency). This variant has not been reported in the literature in individuals affected with TTN-related conditions. ClinVar contains an entry for this variant (Variation ID: 1046826). Algorithms developed to predict the effect of sequence changes on RNA splicing suggest that this variant may disrupt the consensus splice site. This variant is located in the I band of TTN (PMID: 25589632). Truncating variants in this region have been reported in individuals affected with autosomal recessive centronuclear myopathy (PMID: 23975875, internal data). Truncating variants in this region have also been identified in individuals affected with autosomal dominant dilated cardiomyopathy and/or cardio-related conditions (PMID: 27869827, 32964742, internal data). In summary, the currently available evidence indicates that the variant is pathogenic, but additional data are needed to prove that conclusively. Therefore, this variant has been classified as Likely Pathogenic.

Literature cited by the submitters: PubMed 25589632; PubMed 23975875; PubMed 27869827; PubMed 32964742.